The following is an entry in ClinVar:

NM_003791.4(MBTPS1):c.7C>T (p.Leu3Phe)

Gene: MBTPS1 (membrane bound transcription factor peptidase, site 1; minus strand). Cytogenetic location: 16q24.1.
Variant type: single nucleotide variant.
Coding change: c.7C>T on transcript NM_003791.4 (MANE Select); coding-DNA position 7, C replaced by T.
Protein change: p.Leu3Phe; replaces leucine 3 with phenylalanine.
Molecular consequence: missense variant.
Genome position (GRCh38, 1-based): chr16:84,101,777, G>A on the plus strand (C>T on the coding strand, the complement: MBTPS1 is on the minus strand). VCF-style: chr16-84101777-G-A. GRCh37 (hg19) VCF-style: chr16-84135382-G-A.
Other names: short protein forms L3F.
Identifiers: ClinVar variation 2083556 (VCV002083556.4), dbSNP rs2086260214, ClinGen allele CA396943683.

ClinVar aggregate classification (germline): Uncertain significance (1 of 4 stars; one submission).

gnomAD v4.1: 1 of 1,611,646 alleles (0.000062%); highest among the groups gnomAD compares: East Asian, 0.0022%; no homozygotes.

Submission:

Labcorp Genetics (formerly Invitae), Labcorp
Classification: Uncertain significance. Last evaluated: 2025-03-17. Review status: criteria provided, single submitter. Criteria: Invitae Variant Classification Sherloc (09022015). Collection method: clinical testing. Allele origin: germline.
Comment: This sequence change replaces leucine, which is neutral and non-polar, with phenylalanine, which is neutral and non-polar, at codon 3 of the MBTPS1 protein (p.Leu3Phe). This variant is not present in population databases (gnomAD no frequency). This variant has not been reported in the literature in individuals affected with MBTPS1-related conditions. ClinVar contains an entry for this variant (Variation ID: 2083556). An algorithm developed to predict the effect of missense changes on protein structure and function outputs the following: PolyPhen-2: "Benign". The phenylalanine amino acid residue is found in multiple mammalian species, which suggests that this missense change does not adversely affect protein function. In summary, the available evidence is currently insufficient to determine the role of this variant in disease. Therefore, it has been classified as a Variant of Uncertain Significance.